The following is an entry in ClinVar:

ClinVar aggregate classification (germline): Benign/Likely benign. Review status: criteria provided, multiple submitters, no conflicts (2 of 4 stars). 6 submissions from 6 submitters: Benign (1); Likely benign (5). Last evaluated 2025-09-17.

Conditions:
Hereditary cancer-predisposing syndrome. Also called: Hereditary neoplastic syndrome; Tumor predisposition; Neoplastic Syndromes, Hereditary; Hereditary Cancer Syndrome. Identifiers: Orphanet 140162, MedGen C0027672, MeSH D009386, MONDO:0015356.
Familial thoracic aortic aneurysm and aortic dissection (TAAD). Also called: Thoracic aortic aneurysms and dissections. Identifiers: Orphanet 91387, MedGen C4707243, MONDO:0019625.
Juvenile polyposis syndrome (JPS). Identifiers: Orphanet 2929, MedGen C0345893, MONDO:0017380, OMIM 174900.
Juvenile polyposis/hereditary hemorrhagic telangiectasia syndrome (JPHT). Also called: Juvenile Polyposis Syndrome / Hereditary Hemorrhagic Telangiectasia (JPS/HHT); JP/HHT SYNDROME; JUVENILE POLYPOSIS WITH HEREDITARY HEMORRHAGIC TELANGIECTASIA; POLYPOSIS, GENERALIZED JUVENILE, WITH PULMONARY ARTERIOVENOUS MALFORMATION; TELANGIECTASIA, HEREDITARY HEMORRHAGIC, WITH JUVENILE POLYPOSIS COLI. Identifiers: Orphanet 2929, MedGen C1832942, MONDO:0008278, OMIM 175050.

Submissions (6):

Labcorp Genetics (formerly Invitae), Labcorp
Classification: Likely benign for Juvenile polyposis syndrome. Last evaluated: 2025-09-17. Review status: criteria provided, single submitter. Criteria: Invitae Variant Classification Sherloc (09022015). Collection method: clinical testing. Allele origin: germline.

Myriad Genetics, Inc.
Classification: Benign for Juvenile polyposis/hereditary hemorrhagic telangiectasia syndrome. Last evaluated: 2025-03-20. Review status: criteria provided, single submitter. Criteria: Myriad Autosomal Dominant, Autosomal Recessive and X-Linked Classification Criteria (2023). Collection method: clinical testing. Allele origin: unknown.
Comment: This variant is considered benign. This variant is a silent/synonymous amino acid change and it is not expected to impact splicing.

All of Us Research Program, National Institutes of Health
Classification: Likely benign for Juvenile polyposis/hereditary hemorrhagic telangiectasia syndrome. Last evaluated: 2024-03-14. Review status: criteria provided, single submitter. Criteria: ACMG Guidelines, 2015. Collection method: clinical testing. Allele origin: germline. Inheritance: Autosomal dominant inheritance. Observed: 1 variant allele, 1 heterozygote.
Comment: This study involves interpretation of variants in research participants for the purpose of population health screening. Participant phenotype was not available at the time of variant classification. Additional details can be found in publication PMID: 35346344, PMCID: PMC8962531

Ambry Genetics
Classification: Likely benign for Hereditary cancer-predisposing syndrome; Familial thoracic aortic aneurysm and aortic dissection. Last evaluated: 2021-02-12. Review status: criteria provided, single submitter. Criteria: Ambry Variant Classification Scheme 2023. Collection method: clinical testing. Allele origin: germline.

GeneDx
Classification: Likely benign. Last evaluated: 2017-12-05. Review status: criteria provided, single submitter. Criteria: GeneDx Variant Classification (06012015). Collection method: clinical testing. Allele origin: germline. Affected: yes.
Comment: This variant is considered likely benign or benign based on one or more of the following criteria: it is a conservative change, it occurs at a poorly conserved position in the protein, it is predicted to be benign by multiple in silico algorithms, and/or has population frequency not consistent with disease.

Color Diagnostics, LLC DBA Color Health
Classification: Likely benign for Hereditary cancer-predisposing syndrome. Last evaluated: 2017-04-07. Review status: criteria provided, single submitter. Criteria: ACMG Guidelines, 2015. Collection method: clinical testing. Allele origin: germline.

NM_005359.6(SMAD4):c.792C>T (p.Ser264=)

Gene: SMAD4 (SMAD family member 4; plus strand). Cytogenetic location: 18q21.2.
Variant type: single nucleotide variant.
Coding change: c.792C>T on transcript NM_005359.6 (MANE Select); coding-DNA position 792, C replaced by T.
Protein change: p.Ser264=; no amino-acid change (serine 264 retained).
Molecular consequence: synonymous variant.
Genome position (GRCh38, 1-based): chr18:51,058,344, C>T. VCF-style: chr18-51058344-C-T. GRCh37 (hg19) VCF-style: chr18-48584714-C-T.
Identifiers: ClinVar variation 492498 (VCV000492498.16), dbSNP rs1555685951, ClinGen allele CA503993868.
Genomic context (GRCh38, chr18:51,058,344, plus strand): 5'-AAAAAGTAGGCAGCCTTTATAAAAGCAAATTAACCCATGTGGGCCTTAATTTTTAGACAG[C>T]ACTACCACCTGGACTGGAAGTAGGACTGCACCATACACACCTAATTTGCCTCACCACCAA-3'
Protein context (NP_005350.1, residues 254-274): TGQPATYHHN[Ser264=]TTTWTGSRTA